The following is an entry in ClinVar:

NM_000136.3(FANCC):c.1000C>T (p.Arg334Trp)

Genes: AOPEP (aminopeptidase O (putative); plus strand), FANCC (FA complementation group C; minus strand). Cytogenetic location: 9q22.32.
Variant type: single nucleotide variant.
Coding change: c.1000C>T on transcript NM_000136.3 (MANE Select); coding-DNA position 1000, C replaced by T.
Protein change: p.Arg334Trp; replaces arginine 334 with tryptophan.
Molecular consequence: missense variant.
Genome position (GRCh38, 1-based): chr9:95,117,387, G>A on the plus strand (C>T on the coding strand, the complement: FANCC is on the minus strand). VCF-style: chr9-95117387-G-A. GRCh37 (hg19) VCF-style: chr9-97879669-G-A.
Other names: c.1000C>T, p.Arg334Trp (NM_001243743.2, NM_001243744.2); short protein forms R334W.
Identifiers: ClinVar variation 216279 (VCV000216279.23), dbSNP rs140348260, ClinGen allele CA336089.
Genomic context (GRCh38, chr9:95,117,387, plus strand): 5'-GCAGCAGCACCATGGCAAGAGATGGAGAAGTGTAAGGAAAGTAGGTCTTGAGTGCAAACC[G>A]CAGCTGCCACAGGATGGAAAATCCAAAGAGCATGAACATTAAGATTGAAACGGGGTCAGG-3'
Protein context (NP_000127.2, residues 324-344): EALEKASKQL[Arg334Trp]FALKTYFPYT

ClinVar aggregate classification (germline): Conflicting classifications of pathogenicity. Review status: criteria provided, conflicting classifications (1 of 4 stars). 7 submissions from 7 submitters: Uncertain significance (3); Likely benign (3). 1 of the submissions does not count toward it. Last evaluated 2026-01-19.

Conditions:
Hereditary cancer-predisposing syndrome. Also called: Hereditary Cancer Syndrome; Tumor predisposition; Hereditary neoplastic syndrome; Neoplastic Syndromes, Hereditary. Identifiers: Orphanet 140162, MedGen C0027672, MeSH D009386, MONDO:0015356.
Fanconi anemia (FA). Also called: Fanconi's anemia. Identifiers: Orphanet 84, MedGen C0015625, MeSH D005199, MONDO:0019391.
Fanconi anemia complementation group C (FANCC). Also called: Fanconi anemia, group C; FANCONI PANCYTOPENIA, TYPE 3; FACC; FANCC-Related Fanconi Anemia. Identifiers: Orphanet 84, MedGen C3468041, MONDO:0009213, OMIM 227645.

Allele frequency attached by ClinVar (database versions not stated): gnomAD 0.00005 and 0.00004; gnomAD exomes 0.00005 and 0.00010; ExAC 0.00012; TOPMed 0.00006; ESP Exome Variant Server 0.00008.
gnomAD v4.1: 84 of 1,612,804 alleles (0.0052%); highest among the groups gnomAD compares: East Asian, 0.053%; 1 homozygote.

Submissions (7):

Labcorp Genetics (formerly Invitae), Labcorp
Classification: Likely benign for Fanconi anemia. Last evaluated: 2026-01-19. Review status: criteria provided, single submitter. Criteria: Invitae Variant Classification Sherloc (09022015). Collection method: clinical testing. Allele origin: germline.

Quest Diagnostics Nichols Institute San Juan Capistrano
Classification: Likely benign. Last evaluated: 2025-10-13. Review status: criteria provided, single submitter. Criteria: Quest Diagnostics criteria. Collection method: clinical testing. Allele origin: unknown.

Dasa
Classification: Uncertain significance. Last evaluated: 2025-06-29. Review status: criteria provided, single submitter. Criteria: DASA Assertion Criteria. Collection method: clinical testing. Allele origin: germline.
Comment: NM_000136.3(FANCC):c.1000C>T (p.Arg334Trp) is a missense variant that results in the substitution of arginine with tryptophan. This variant is rare in population databases. Computational prediction algorithms are consistent with a benign effect. The currently available literature and clinical evidence are not sufficient to establish a definitive association between this variant and the reported condition. Therefore, this variant is classified as a variant of uncertain significance.

GeneDx
Classification: Uncertain significance. Last evaluated: 2024-02-21. Review status: criteria provided, single submitter. Criteria: GeneDx Variant Classification Process June 2021. Collection method: clinical testing. Allele origin: germline. Affected: yes.
Comment: Observed in individuals with breast, ovarian, and/or prostate cancer (PMID: 26689913, 30093976); Identified in an individual with breast and uterine cancer who was also heterozygous for a pathogenic BRCA2 variant (PMID: 34326862); Observed with another FANCC variant in a child with Fanconi anemia, however it is not known whether the variants were on the same or opposite chromosomes (in cis or trans) (PMID: 36463940); In silico analysis supports that this missense variant has a deleterious effect on protein structure/function; In silico analysis is inconclusive as to whether the variant alters gene splicing. In the absence of RNA/functional studies, the actual effect of this sequence change is unknown.; This variant is associated with the following publications: (PMID: 26689913, 27671336, Gordon2000[Book], 36463940, 34326862, 30093976)

Ambry Genetics
Classification: Likely benign for Hereditary cancer-predisposing syndrome. Last evaluated: 2019-10-23. Review status: criteria provided, single submitter. Criteria: Ambry Variant Classification Scheme 2023. Collection method: clinical testing. Allele origin: germline.

Genetic Services Laboratory, University of Chicago
Classification: Uncertain significance. Last evaluated: 2018-12-17. Review status: criteria provided, single submitter. Criteria: ACMG Guidelines, 2015. Collection method: clinical testing. Allele origin: germline. Affected: no.

Department of Pathology and Laboratory Medicine, Sinai Health System
Classification: Likely benign for Fanconi anemia complementation group C. Review status: no assertion criteria provided. Collection method: clinical testing. Allele origin: unknown. Affected: yes. Observed: 1 variant allele. Study: The Canadian Open Genetics Repository (COGR). Not counted in ClinVar's aggregate classification.
Comment: The FANCC p.Arg334Trp variant was identified in 1 of 356 proband chromosomes (frequency: 0.003) from individuals with prostate adenocarcinoma (Lu 2015). The variant was also identified in dbSNP (ID: rs140348260) as â€šÃ„ÃºWith Uncertain significance alleleâ€šÃ„Ã¹, ClinVar (classified as uncertain significance by Invitae and GeneDx). The variant was not identified in LOVD 3.0. The variant was identified in control databases in 29 of 273342 chromosomes (1 homozygous) at a frequency of 0.0001 (Genome Aggregation Database Feb 27, 2017). The variant was observed in the following populations: East Asian in 22 of 18788 chromosomes (1 homozygous, freq: 0.001), European in 6 of 124800 chromosomes (freq: 0.00005), and South Asian in 1 of 30446 chromosomes (freq: 0.000033); it was not observed in the African, Other, Latino, Ashkenazi Jewish or Finnish populations. The p.Arg334 residue is not conserved in mammals and computational analyses (PolyPhen-2, SIFT, AlignGVGD, BLOSUM, MutationTaster) provide inconsistent predictions regarding the impact to the protein; this information is not very predictive of pathogenicity. The variant occurs outside of the splicing consensus sequence and in silico or computational prediction software programs (SpliceSiteFinder, MaxEntScan, NNSPLICE, GeneSplicer) do not predict a difference in splicing. In summary, based on the above information, the clinical significance of this variant cannot be determined with certainty at this time although we would lean towards a more benign role for this variant. This variant is classified as likely benign.

Literature cited by the submitters: PubMed 30093976 (cited by Quest Diagnostics Nichols Institute San Juan Capistrano); PubMed 33471991 (cited by Quest Diagnostics Nichols Institute San Juan Capistrano); PubMed 34326862 (cited by Quest Diagnostics Nichols Institute San Juan Capistrano); PubMed 26689913 (cited by Quest Diagnostics Nichols Institute San Juan Capistrano and Ambry Genetics).